The following is an entry in ClinVar:

ClinVar aggregate classification (germline): Benign/Likely benign. Review status: criteria provided, multiple submitters, no conflicts (2 of 4 stars). 3 submissions from 3 submitters: Benign (2); Likely benign (1). Last evaluated 2026-03-02.

Conditions:
Epilepsy, X-linked 1, with variable learning disabilities and behavior disorders. Also called: X-linked epilepsy-learning disabilities-behavior disorders syndrome. Identifiers: Orphanet 85294, MedGen C5774177, MONDO:0010339, OMIM 300491.

Allele frequency attached by ClinVar (database versions not stated): gnomAD exomes 0.00004 and 0.00009; gnomAD 0.00007 and 0.00008; TOPMed 0.00008; ExAC 0.00009; ESP Exome Variant Server 0.00019.
gnomAD v4.1: 62 of 1,210,707 alleles (0.0051%); highest among the groups gnomAD compares: Non-Finnish European, 0.0015%; no homozygotes.

Submissions (3):

Women's Health and Genetics/Laboratory Corporation of America, LabCorp
Classification: Likely benign. Last evaluated: 2026-03-02. Review status: criteria provided, single submitter. Criteria: LabCorp Variant Classification Summary - May 2015. Collection method: clinical testing. Allele origin: germline.

Labcorp Genetics (formerly Invitae), Labcorp
Classification: Benign for Epilepsy, X-linked 1, with variable learning disabilities and behavior disorders. Last evaluated: 2024-06-24. Review status: criteria provided, single submitter. Criteria: Invitae Variant Classification Sherloc (09022015). Collection method: clinical testing. Allele origin: germline.

GeneDx
Classification: Benign. Last evaluated: 2015-05-11. Review status: criteria provided, single submitter. Criteria: GeneDx Variant Classification (06012015). Collection method: clinical testing. Allele origin: germline. Affected: yes.
Comment: This variant is considered likely benign or benign based on one or more of the following criteria: it is a conservative change, it occurs at a poorly conserved position in the protein, it is predicted to be benign by multiple in silico algorithms, and/or has population frequency not consistent with disease.

NM_006950.3(SYN1):c.981-19C>T

Gene: SYN1 (synapsin I; minus strand). Cytogenetic location: Xp11.3.
Variant type: single nucleotide variant.
Coding change: c.981-19C>T on transcript NM_006950.3 (MANE Select); 19 bases into the intron before coding-DNA position 981, C replaced by T.
Molecular consequence: intron variant.
Genome position (GRCh38, 1-based): chrX:47,576,425, G>A on the plus strand (C>T on the coding strand, the complement: SYN1 is on the minus strand). VCF-style: chrX-47576425-G-A. GRCh37 (hg19) VCF-style: chrX-47435824-G-A.
Other names: c.981-19C>T (NM_133499.2).
Identifiers: ClinVar variation 379583 (VCV000379583.10), dbSNP rs375349005, ClinGen allele CA10398436.